The following is an entry in ClinVar:

ClinVar aggregate classification (germline): Likely pathogenic (1 of 4 stars; one submission).

Conditions:
UDPglucose-4-epimerase deficiency. Also called: GALACTOSEMIA III; GALE DEFICIENCY; UDP-GALACTOSE-4-EPIMERASE DEFICIENCY; Galactose epimerase deficiency; UDPglucose 4-Epimerase Deficiency Disease; Epimerase Deficiency Galactosemia. Identifiers: Orphanet 352, Orphanet 79238, MedGen C0751161, MONDO:0009257, OMIM 230350.

Submissions (2):

Labcorp Genetics (formerly Invitae), Labcorp
Classification: Likely pathogenic for UDPglucose-4-epimerase deficiency. Last evaluated: 2023-08-23. Review status: criteria provided, single submitter. Criteria: Invitae Variant Classification Sherloc (09022015). Collection method: clinical testing. Allele origin: germline.
Comment: In summary, the currently available evidence indicates that the variant is pathogenic, but additional data are needed to prove that conclusively. Therefore, this variant has been classified as Likely Pathogenic. Algorithms developed to predict the effect of sequence changes on RNA splicing suggest that this variant may disrupt the consensus splice site. This variant has not been reported in the literature in individuals affected with GALE-related conditions. This variant is not present in population databases (gnomAD no frequency). This sequence change affects a donor splice site in intron 9 of the GALE gene. It is expected to disrupt RNA splicing. Variants that disrupt the donor or acceptor splice site typically lead to a loss of protein function (PMID: 16199547), and loss-of-function variants in GALE are known to be pathogenic (PMID: 16301867).

Dr. Peter K. Rogan Lab, Western University
No classification provided (evidence only). Condition: Thyroid cancer, nonmedullary, 1. Review status: no classification provided. Collection method: in vitro. Allele origin: not applicable. Functional consequence: retained intron. Not counted in ClinVar's aggregate classification.

Literature cited by the submitters: PubMed 16199547 (cited by Labcorp Genetics (formerly Invitae), Labcorp); PubMed 16301867 (cited by Labcorp Genetics (formerly Invitae), Labcorp).

NM_001008216.2(GALE):c.795+1G>A

Gene: GALE (UDP-galactose-4-epimerase; minus strand). Cytogenetic location: 1p36.11.
Variant type: single nucleotide variant.
Coding change: c.795+1G>A on transcript NM_001008216.2 (MANE Select); the canonical splice donor site of the intron after coding-DNA position 795, G replaced by A.
Molecular consequence: splice donor variant.
Genome position (GRCh38, 1-based): chr1:23,796,696, C>T on the plus strand (G>A on the coding strand, the complement: GALE is on the minus strand). VCF-style: chr1-23796696-C-T. GRCh37 (hg19) VCF-style: chr1-24123186-C-T.
Other names: c.795+1G>A (NM_000403.4, NM_001127621.2).
Identifiers: ClinVar variation 2753803 (VCV002753803.4), dbSNP rs1456836841, ClinGen allele CA339006957.